The following is an entry in ClinVar:

ClinVar aggregate classification (germline): Uncertain significance. Review status: criteria provided, multiple submitters, no conflicts (2 of 4 stars). 5 submissions from 5 submitters: Uncertain significance (3). 2 of the submissions do not count toward it. Last evaluated 2024-11-26.

Conditions:
Charcot-Marie-Tooth disease. Also called: Charcot-Marie-Tooth Neuropathy; Charcot-Marie-Tooth Hereditary Neuropathy. Identifiers: Orphanet 166, MedGen C0007959, MONDO:0015626.
Charcot-Marie-Tooth Neuropathy X. Identifiers: MedGen CN118851.

Allele frequency attached by ClinVar (database versions not stated): TOPMed 0.00001.
gnomAD v4.1: 8 of 1,207,684 alleles (0.00066%); highest among the groups gnomAD compares: Non-Finnish European, 0.00089%; no homozygotes.

Submissions (5):

Labcorp Genetics (formerly Invitae), Labcorp
Classification: Uncertain significance for Charcot-Marie-Tooth Neuropathy X. Last evaluated: 2024-11-26. Review status: criteria provided, single submitter. Criteria: Invitae Variant Classification Sherloc (09022015). Collection method: clinical testing. Allele origin: germline.
Comment: This sequence change replaces arginine, which is basic and polar, with glycine, which is neutral and non-polar, at codon 220 of the GJB1 protein (p.Arg220Gly). This variant is not present in population databases (gnomAD no frequency). This missense change has been observed in individual(s) with Charcot-Marie-Tooth (CMT) disease (PMID: 16401743). ClinVar contains an entry for this variant (Variation ID: 543923). Invitae Evidence Modeling of protein sequence and biophysical properties (such as structural, functional, and spatial information, amino acid conservation, physicochemical variation, residue mobility, and thermodynamic stability) has been performed for this missense variant. However, the output from this modeling did not meet the statistical confidence thresholds required to predict the impact of this variant on GJB1 protein function. Experimental studies have shown that this missense change does not substantially affect GJB1 function (PMID: 12460545, 21280457). In summary, the available evidence is currently insufficient to determine the role of this variant in disease. Therefore, it has been classified as a Variant of Uncertain Significance.

Women's Health and Genetics/Laboratory Corporation of America, LabCorp
Classification: Uncertain significance. Last evaluated: 2023-08-30. Review status: criteria provided, single submitter. Criteria: LabCorp Variant Classification Summary - May 2015. Collection method: clinical testing. Allele origin: germline.
Comment: Variant summary: GJB1 c.658C>G (p.Arg220Gly) results in a non-conservative amino acid change in the encoded protein sequence. Four of five in-silico tools predict a benign effect of the variant on protein function. The variant was absent in 180621 control chromosomes. The available data on variant occurrences in the general population are insufficient to allow any conclusion about variant significance. c.658C>G has been reported in the literature in individual(s) affected with features of Charcot-Marie-Tooth Disease X-linked dominant 1, without strong evidence for causality (example, Bone_1997). These report(s) do not provide unequivocal conclusions about association of the variant with Charcot-Marie-Tooth disease X-linked dominant 1. Co-occurrences with other pathogenic variant(s) (PMP22 Duplication) have been reported in two siblings affected with neuromuscular dystrophy, providing supporting evidence for a benign role (Hodapp_2006). At least one publication reports experimental evidence evaluating an impact on protein function (Yum_2002). These results showed no damaging effect of this variant on protein expression in HeLa cells. The following publications have been ascertained in the context of this evaluation (PMID: 9361298, 16401743, 12460545). Three submitters have cited clinical-significance assessments for this variant to ClinVar after 2014. All submitters classified the variant as uncertain significance. Based on the evidence outlined above, the variant was classified as VUS-possibly benign.

GeneDx
Classification: Uncertain significance. Last evaluated: 2019-04-29. Review status: criteria provided, single submitter. Criteria: GeneDx Variant Classification Process June 2021. Collection method: clinical testing. Allele origin: germline. Affected: yes.
Comment: Identified in a patient with Charcot-Marie-Tooth disease (CMT) in published literature (Bone et al., 1997); Observed in two siblings in published literature (Hodapp et al., 2006) who had a different genetic etiology for the phenotype; Published functional studies demonstrate normal protein expression (Yum et al., 2002); In silico analysis, which includes protein predictors and evolutionary conservation, supports that this variant does not alter protein structure/function; Not observed in large population cohorts (Lek et al., 2016); The majority of missense variants in this gene are considered pathogenic (Stenson et al., 2014); This variant is associated with the following publications: (PMID: 12460545, 9361298, 16401743, 21280457)

Natera, Inc.
Classification: Uncertain significance for Charcot-Marie-Tooth disease. Last evaluated: 2021-05-24. Review status: no assertion criteria provided. Collection method: clinical testing. Allele origin: germline. Not counted in ClinVar's aggregate classification.

Inherited Neuropathy Consortium
Classification: Uncertain significance for Charcot-Marie-Tooth disease. Review status: no assertion criteria provided. Collection method: literature only. Allele origin: germline. Affected: yes. Not counted in ClinVar's aggregate classification.

Literature cited by the submitters: PubMed 16401743 (cited by Labcorp Genetics (formerly Invitae), Labcorp and Women's Health and Genetics/Laboratory Corporation of America, LabCorp); PubMed 12460545 (cited by Labcorp Genetics (formerly Invitae), Labcorp and Women's Health and Genetics/Laboratory Corporation of America, LabCorp); PubMed 21280457 (cited by Labcorp Genetics (formerly Invitae), Labcorp); PubMed 9361298 (cited by Women's Health and Genetics/Laboratory Corporation of America, LabCorp and Inherited Neuropathy Consortium).

NM_000166.6(GJB1):c.658C>G (p.Arg220Gly)

Gene: GJB1 (gap junction protein beta 1; plus strand). Cytogenetic location: Xq13.1.
Variant type: single nucleotide variant.
Coding change: c.658C>G on transcript NM_000166.6 (MANE Select); coding-DNA position 658, C replaced by G.
Protein change: p.Arg220Gly; replaces arginine 220 with glycine.
Molecular consequence: missense variant.
Genome position (GRCh38, 1-based): chrX:71,224,365, C>G. VCF-style: chrX-71224365-C-G. GRCh37 (hg19) VCF-style: chrX-70444215-C-G.
Other names: c.658C>G, p.Arg220Gly (NM_001097642.3); short protein forms R220G.
Identifiers: ClinVar variation 543923 (VCV000543923.11), dbSNP rs104894814, ClinGen allele CA330997827.